The following is an entry in ClinVar:

NM_000059.4(BRCA2):c.8570C>T (p.Ala2857Val)

Gene: BRCA2 (BRCA2 DNA repair associated; plus strand). Cytogenetic location: 13q13.1.
Variant type: single nucleotide variant.
Coding change: c.8570C>T on transcript NM_000059.4 (MANE Select); coding-DNA position 8570, C replaced by T.
Protein change: p.Ala2857Val; replaces alanine 2857 with valine.
Molecular consequence: missense variant.
Genome position (GRCh38, 1-based): chr13:32,371,038, C>T. VCF-style: chr13-32371038-C-T. GRCh37 (hg19) VCF-style: chr13-32945175-C-T.
Other names: c.8474C>T, p.Ala2825Val (NM_001406719.1); c.8570C>T, p.Ala2857Val (NM_001406720.1); c.3638C>T, p.Ala1213Val (NM_001406721.1); c.2153C>T, p.Ala718Val (NM_001406722.1); short protein forms A1213V, A2825V, A2857V, A718V.
Identifiers: ClinVar variation 2046963 (VCV002046963.6), dbSNP rs748143090, ClinGen allele CA6941260.

ClinVar aggregate classification (germline): Conflicting classifications of pathogenicity. Review status: criteria provided, conflicting classifications (1 of 4 stars). 2 submissions from 2 submitters: Uncertain significance (1); Benign (1). Last evaluated 2025-11-10.

Conditions:
Hereditary cancer-predisposing syndrome. Also called: Neoplastic Syndromes, Hereditary; Hereditary Cancer Syndrome; Hereditary neoplastic syndrome; Tumor predisposition. Identifiers: Orphanet 140162, MedGen C0027672, MeSH D009386, MONDO:0015356.
Hereditary breast ovarian cancer syndrome. Also called: Hereditary breast and ovarian cancer syndrome; Hereditary breast and/or ovarian cancer syndrome; BRCA1- and BRCA2-Associated Hereditary Breast and Ovarian Cancer; Hereditary breast and ovarian cancer syndrome (HBOC); Hereditary breast and ovarian cancer; Breast and ovarian cancer. Identifiers: Orphanet 145, MedGen C0677776, MeSH D061325, MONDO:0003582. Disease mechanism: loss of function.

Allele frequency attached by ClinVar (database versions not stated): gnomAD exomes below 0.00001; ExAC 0.00001.
gnomAD v4.1: 2 of 1,613,944 alleles (0.00012%); highest among the groups gnomAD compares: Non-Finnish European, 0.00017%; no homozygotes.

Submissions (2):

Labcorp Genetics (formerly Invitae), Labcorp
Classification: Uncertain significance for Hereditary breast ovarian cancer syndrome. Last evaluated: 2025-11-10. Review status: criteria provided, single submitter. Criteria: Invitae Variant Classification Sherloc (09022015). Collection method: clinical testing. Allele origin: germline.
Comment: This sequence change replaces alanine, which is neutral and non-polar, with valine, which is neutral and non-polar, at codon 2857 of the BRCA2 protein (p.Ala2857Val). This variant is present in population databases (rs748143090, gnomAD 0.0009%). This variant has not been reported in the literature in individuals affected with BRCA2-related conditions. ClinVar contains an entry for this variant (Variation ID: 2046963). Invitae Evidence Modeling of protein sequence and biophysical properties (such as structural, functional, and spatial information, amino acid conservation, physicochemical variation, residue mobility, and thermodynamic stability) indicates that this missense variant is not expected to disrupt BRCA2 protein function with a negative predictive value of 95%. In summary, the available evidence is currently insufficient to determine the role of this variant in disease. Therefore, it has been classified as a Variant of Uncertain Significance.

Ambry Genetics
Classification: Benign for Hereditary cancer-predisposing syndrome. Last evaluated: 2025-05-23. Review status: criteria provided, single submitter. Criteria: Ambry Variant Classification Scheme 2023. Collection method: clinical testing. Allele origin: germline.